The following is an entry in ClinVar:

ClinVar aggregate classification (germline): Uncertain significance (1 of 4 stars; one submission).

Conditions:
Giant axonal neuropathy 1 (GAN1). Also called: GIANT AXONAL NEUROPATHY 1, AUTOSOMAL RECESSIVE; GAN-Related Neurodegeneration. Identifiers: Orphanet 643, MedGen C1850386, MONDO:0009749, OMIM 256850.

Submission:

Labcorp Genetics (formerly Invitae), Labcorp
Classification: Uncertain significance for Giant axonal neuropathy 1. Last evaluated: 2022-06-06. Review status: criteria provided, single submitter. Criteria: Invitae Variant Classification Sherloc (09022015). Collection method: clinical testing. Allele origin: germline.
Comment: This sequence change replaces asparagine, which is neutral and polar, with serine, which is neutral and polar, at codon 98 of the GAN protein (p.Asn98Ser). In summary, the available evidence is currently insufficient to determine the role of this variant in disease. Therefore, it has been classified as a Variant of Uncertain Significance. Algorithms developed to predict the effect of missense changes on protein structure and function output the following: SIFT: "Tolerated"; PolyPhen-2: "Benign"; Align-GVGD: "Class C0". The serine amino acid residue is found in multiple mammalian species, which suggests that this missense change does not adversely affect protein function. This variant has not been reported in the literature in individuals affected with GAN-related conditions. This variant is not present in population databases (gnomAD no frequency).

NM_022041.4(GAN):c.293A>G (p.Asn98Ser)

Gene: GAN (gigaxonin; plus strand). Cytogenetic location: 16q23.2.
Variant type: single nucleotide variant.
Coding change: c.293A>G on transcript NM_022041.4 (MANE Select); coding-DNA position 293, A replaced by G.
Protein change: p.Asn98Ser; replaces asparagine 98 with serine.
Molecular consequence: missense variant. On other transcripts: 5 prime UTR variant (1).
Genome position (GRCh38, 1-based): chr16:81,354,415, A>G. VCF-style: chr16-81354415-A-G. GRCh37 (hg19) VCF-style: chr16-81388020-A-G.
Other names: c.-347A>G (NM_001377486.1); short protein forms N98S.
Identifiers: ClinVar variation 2188610 (VCV002188610.4), dbSNP rs1401637777, ClinGen allele CA396867158.